The following is an entry in ClinVar:

NM_005188.4(CBL):c.2290C>A (p.Pro764Thr)

Gene: CBL (Cbl proto-oncogene; plus strand). Cytogenetic location: 11q23.3.
Variant type: single nucleotide variant.
Coding change: c.2290C>A on transcript NM_005188.4 (MANE Select); coding-DNA position 2290, C replaced by A.
Protein change: p.Pro764Thr; replaces proline 764 with threonine.
Molecular consequence: missense variant.
Genome position (GRCh38, 1-based): chr11:119,298,396, C>A. VCF-style: chr11-119298396-C-A. GRCh37 (hg19) VCF-style: chr11-119169106-C-A.
Other names: short protein forms P764T.
Identifiers: ClinVar variation 5033740 (VCV005033740.1).
Genomic context (GRCh38, chr11:119,298,396, plus strand): 5'-AACATCACTCATTTTTCTCCAGGTGAAGGGAATTTGGCCGCAGCCCATGCCAACACTGGT[C>A]CCGAGGAGTCAGAAAATGAGGATGATGGGTATGATGTCCCAAAGCCACCTGTGCCGGCCG-3'
Protein context (NP_005179.2, residues 754-774): NLAAAHANTG[Pro764Thr]EESENEDDGY

ClinVar aggregate classification (germline): Uncertain significance (1 of 4 stars; one submission).

Conditions:
Cardiovascular phenotype. Identifiers: MedGen CN230736.

Submission:

Ambry Genetics
Classification: Uncertain significance for Cardiovascular phenotype. Last evaluated: 2026-07-12. Review status: criteria provided, single submitter. Criteria: Ambry Variant Classification Scheme 2023. Collection method: clinical testing. Allele origin: germline.
Comment: The p.P764T variant (also known as c.2290C>A), located in coding exon 15 of the CBL gene, results from a C to A substitution at nucleotide position 2290. The proline at codon 764 is replaced by threonine, an amino acid with highly similar properties. This amino acid position is conserved. In addition, this alteration is predicted to be tolerated by in silico analysis. Based on the available evidence, the clinical significance of this variant remains unclear.